The following is an entry in ClinVar:

ClinVar aggregate classification (germline): Uncertain significance. Review status: criteria provided, multiple submitters, no conflicts (2 of 4 stars). 4 submissions from 4 submitters: Uncertain significance (4). Last evaluated 2025-06-23.

Conditions:
Hereditary cancer-predisposing syndrome. Also called: Hereditary neoplastic syndrome; Neoplastic Syndromes, Hereditary; Hereditary Cancer Syndrome; Tumor predisposition. Identifiers: Orphanet 140162, MedGen C0027672, MeSH D009386, MONDO:0015356.
Juvenile polyposis syndrome (JPS). Identifiers: Orphanet 2929, MedGen C0345893, MONDO:0017380, OMIM 174900.
Polyposis syndrome, hereditary mixed, 2. Identifiers: Orphanet 157794, MedGen C1864730, MONDO:0012405, OMIM 610069.

Allele frequency attached by ClinVar (database versions not stated): gnomAD exomes below 0.00001.
gnomAD v4.1: 1 of 1,613,056 alleles (0.000062%); highest among the groups gnomAD compares: East Asian, 0.0022%; no homozygotes.

Submissions (4):

Ambry Genetics
Classification: Uncertain significance for Hereditary cancer-predisposing syndrome. Last evaluated: 2025-06-23. Review status: criteria provided, single submitter. Criteria: Ambry Variant Classification Scheme 2023. Collection method: clinical testing. Allele origin: germline.
Comment: The p.D362N variant (also known as c.1084G>A), located in coding exon 8 of the BMPR1A gene, results from a G to A substitution at nucleotide position 1084. The aspartic acid at codon 362 is replaced by asparagine, an amino acid with highly similar properties. This amino acid position is highly conserved in available vertebrate species. In addition, the in silico prediction for this alteration is inconclusive. Since supporting evidence is limited at this time, the clinical significance of this alteration remains unclear.

Labcorp Genetics (formerly Invitae), Labcorp
Classification: Uncertain significance for Juvenile polyposis syndrome. Last evaluated: 2024-07-30. Review status: criteria provided, single submitter. Criteria: Invitae Variant Classification Sherloc (09022015). Collection method: clinical testing. Allele origin: germline.
Comment: This sequence change replaces aspartic acid, which is acidic and polar, with asparagine, which is neutral and polar, at codon 362 of the BMPR1A protein (p.Asp362Asn). This variant is not present in population databases (gnomAD no frequency). This variant has not been reported in the literature in individuals affected with BMPR1A-related conditions. ClinVar contains an entry for this variant (Variation ID: 571985). Advanced modeling performed at Invitae incorporating data from internal and/or published experimental studies (Invitae) indicates that this missense variant is expected to disrupt BMPR1A function with a positive predictive value of 95%. In summary, the available evidence is currently insufficient to determine the role of this variant in disease. Therefore, it has been classified as a Variant of Uncertain Significance.

Fulgent Genetics
Classification: Uncertain significance for Juvenile polyposis syndrome; Polyposis syndrome, hereditary mixed, 2. Last evaluated: 2024-06-20. Review status: criteria provided, single submitter. Criteria: ACMG Guidelines, 2015. Collection method: clinical testing. Allele origin: germline.

Color Diagnostics, LLC DBA Color Health
Classification: Uncertain significance for Hereditary cancer-predisposing syndrome. Last evaluated: 2021-01-06. Review status: criteria provided, single submitter. Criteria: ACMG Guidelines, 2015. Collection method: clinical testing. Allele origin: germline.
Comment: This missense variant replaces aspartic acid with asparagine at codon 362 of the BMPR1A protein. Computational prediction is inconclusive regarding the impact of this variant on protein structure and function (internally defined REVEL score threshold 0.5 < inconclusive < 0.7, PMID: 27666373). To our knowledge, functional studies have not been reported for this variant. This variant has not been reported in individuals affected with hereditary cancer in the literature. This variant has not been identified in the general population by the Genome Aggregation Database (gnomAD). The available evidence is insufficient to determine the role of this variant in disease conclusively. Therefore, this variant is classified as a Variant of Uncertain Significance.

NM_004329.3(BMPR1A):c.1084G>A (p.Asp362Asn)

Gene: BMPR1A (bone morphogenetic protein receptor type 1A; plus strand). Cytogenetic location: 10q23.2.
Variant type: single nucleotide variant.
Coding change: c.1084G>A on transcript NM_004329.3 (MANE Select); coding-DNA position 1084, G replaced by A.
Protein change: p.Asp362Asn; replaces aspartic acid 362 with asparagine.
Molecular consequence: missense variant.
Genome position (GRCh38, 1-based): chr10:86,919,387, G>A. VCF-style: chr10-86919387-G-A. GRCh37 (hg19) VCF-style: chr10-88679144-G-A.
Other names: short protein forms D362N.
Identifiers: ClinVar variation 571985 (VCV000571985.19), dbSNP rs1564724297, ClinGen allele CA377460807.
Genomic context (GRCh38, chr10:86,919,387, plus strand): 5'-CTGTGCCACCTGCACACAGAAATTTATGGCACCCAAGGAAAGCCCGCAATTGCTCATCGA[G>A]ACCTAAAGAGCAAAAACATCCTCATCAAGAAAAATGGGAGTTGCTGCATTGCTGACCTGG-3'
Protein context (NP_004320.2, residues 352-372): TQGKPAIAHR[Asp362Asn]LKSKNILIKK